The following is an entry in ClinVar:

NM_198859.4(PRICKLE2):c.1352G>A (p.Arg451Lys)

Gene: PRICKLE2 (prickle planar cell polarity protein 2; minus strand). Cytogenetic location: 3p14.1.
Variant type: single nucleotide variant.
Coding change: c.1352G>A on transcript NM_198859.4 (MANE Select); coding-DNA position 1352, G replaced by A.
Protein change: p.Arg451Lys; replaces arginine 451 with lysine.
Molecular consequence: missense variant.
Genome position (GRCh38, 1-based): chr3:64,147,138, C>T on the plus strand (G>A on the coding strand, the complement: PRICKLE2 is on the minus strand). VCF-style: chr3-64147138-C-T. GRCh37 (hg19) VCF-style: chr3-64132814-C-T.
Other names: c.1352G>A, p.Arg451Lys (NM_001370528.1); short protein forms R451K.
Identifiers: ClinVar variation 954552 (VCV000954552.7), dbSNP rs2077469469, ClinGen allele CA353429931.

ClinVar aggregate classification (germline): Uncertain significance (1 of 4 stars; one submission).

Conditions:
Progressive myoclonic epilepsy type 5. Identifiers: Orphanet 402082, MedGen C5190799.

Allele frequency attached by ClinVar (database versions not stated): gnomAD exomes below 0.00001.
gnomAD v4.1: 3 of 1,614,154 alleles (0.00019%); highest among the groups gnomAD compares: African/African-American, 0.0027%; no homozygotes.

Submission:

Labcorp Genetics (formerly Invitae), Labcorp
Classification: Uncertain significance for Progressive myoclonic epilepsy type 5. Last evaluated: 2019-09-08. Review status: criteria provided, single submitter. Criteria: Invitae Variant Classification Sherloc (09022015). Collection method: clinical testing. Allele origin: germline.
Comment: This variant has not been reported in the literature in individuals with PRICKLE2-related conditions. This sequence change replaces arginine with lysine at codon 451 of the PRICKLE2 protein (p.Arg451Lys). The arginine residue is highly conserved and there is a small physicochemical difference between arginine and lysine. This variant is not present in population databases (ExAC no frequency). Algorithms developed to predict the effect of missense changes on protein structure and function are either unavailable or do not agree on the potential impact of this missense change (SIFT: "Deleterious"; PolyPhen-2: "Benign"; Align-GVGD: "Class C25"). In summary, the available evidence is currently insufficient to determine the role of this variant in disease. Therefore, it has been classified as a Variant of Uncertain Significance.